The following is an entry in ClinVar:

NM_004937.3(CTNS):c.634G>A (p.Ala212Thr)

Genes: CTNS (cystinosin, lysosomal cystine transporter; plus strand), CTNS-AS1 (CTNS antisense RNA 1; minus strand). Cytogenetic location: 17p13.2.
Variant type: single nucleotide variant.
Coding change: c.634G>A on transcript NM_004937.3 (MANE Select); coding-DNA position 634, G replaced by A.
Protein change: p.Ala212Thr; replaces alanine 212 with threonine.
Molecular consequence: missense variant.
Genome position (GRCh38, 1-based): chr17:3,656,748, G>A. VCF-style: chr17-3656748-G-A. GRCh37 (hg19) VCF-style: chr17-3560042-G-A.
Other names: c.634G>A, p.Ala212Thr (NM_001031681.3, NM_001374492.1); c.193G>A, p.Ala65Thr (NM_001374493.1, NM_001374494.1, NM_001374495.1 and 1 more transcripts); short protein forms A212T, A65T.
Identifiers: ClinVar variation 990466 (VCV000990466.10), dbSNP rs768600603, ClinGen allele CA8291804.

ClinVar aggregate classification (germline): Conflicting classifications of pathogenicity. Review status: criteria provided, conflicting classifications (1 of 4 stars). 5 submissions from 5 submitters: Likely pathogenic (2); Uncertain significance (2). 1 of the submissions does not count toward it. Last evaluated 2025-05-07.

Conditions:
CTNS-related disorder. Also called: CTNS-related condition.
Ocular cystinosis. Also called: Non-Nephropathic Cystinosis; Non-Nephropathic (Ocular) Cystinosis. Identifiers: Orphanet 213, Orphanet 411641, MedGen C2931013, MONDO:0009064, OMIM 219750.
Juvenile nephropathic cystinosis. Also called: Intermediate Cystinosis; CYSTINOSIS, LATE-ONSET JUVENILE OR ADOLESCENT NEPHROPATHIC TYPE; Later-Onset (Juvenile) Cystinosis. Identifiers: Orphanet 213, Orphanet 411634, MedGen C0268626, MONDO:0009066, OMIM 219900.
Inborn genetic diseases. Identifiers: MedGen C0950123, MeSH D030342.
Nephropathic cystinosis (CTNS). Also called: Abderhalden Lignac Kaufmann disease; Abderhalden-Kaufmann-Lignac syndrome; CYSTINOSIN, DEFECT OF; LYSOSOMAL CYSTINE TRANSPORT PROTEIN, DEFECT OF. Identifiers: Orphanet 213, Orphanet 411629, MedGen C2931187, MONDO:0100151, OMIM 219800.
Cystinosis. Also called: Cystine diathesis; Cystine storage disease; Cystinoses. Identifiers: Orphanet 213, MedGen C4316899, MONDO:0016239.

Allele frequency attached by ClinVar (database versions not stated): gnomAD exomes 0.00002; ExAC 0.00003; TOPMed below 0.00001; gnomAD 0.00001.
gnomAD v4.1: 29 of 1,613,294 alleles (0.0018%); highest among the groups gnomAD compares: East Asian, 0.0045%; no homozygotes.

Submissions (5):

3billion
Classification: Likely pathogenic for CTNS-related disorder. Last evaluated: 2025-05-07. Review status: criteria provided, single submitter. Criteria: ACMG Guidelines, 2015. Collection method: clinical testing. Allele origin: germline. Affected: yes.
Comment: The variant is observed at an extremely low frequency in the gnomAD v4.1.0 dataset (total allele frequency: 0.002%). Predicted Consequence/Location: Missense variant. The majority of the known disease-causing variants of this gene are variants expected to result in premature termination of the protein. In silico tool predictions suggest damaging effect of the variant on gene or gene product [REVEL: 0.88 (>=0.6, sensitivity 0.68 and specificity 0.92); 3Cnet: 0.80 (> 0.75, sensitivity 0.96 and precision 0.92)]. The same nucleotide change resulting in the same amino acid change has been previously reported to be associated with CTNS-related disorder (ClinVar ID: VCV000990466 /3billion dataset). The variant has been reported to be in trans with a pathogenic variant as either compound heterozygous or homozygous in at least one similarly affected unrelated individual (PMID: 30957593). A different missense change at the same codon (p.Ala212Val) has been reported as pathogenic/likely pathogenic with strong evidence (ClinVar ID: VCV001020638 /PMID: 30957593). Therefore, this variant is classified as Likely pathogenic according to the recommendation of ACMG/AMP guideline.

Dasa
Classification: Uncertain significance. Last evaluated: 2024-12-06. Review status: criteria provided, single submitter. Criteria: DASA Assertion Criteria. Collection method: clinical testing. Allele origin: germline.
Comment: NM_004937.3(CTNS):c.634G>A (p.Ala212Thr) is a missense variant that results in the substitution of alanine with threonine. The affected residue or protein region has prior evidence supporting clinical relevance. This variant is rare in population databases. Computational prediction algorithms are consistent with a deleterious effect. The currently available literature and clinical evidence are not sufficient to establish a definitive association between this variant and the reported condition. Therefore, this variant is classified as a variant of uncertain significance.

Fulgent Genetics
Classification: Uncertain significance for Ocular cystinosis; Nephropathic cystinosis; Juvenile nephropathic cystinosis. Last evaluated: 2024-06-25. Review status: criteria provided, single submitter. Criteria: ACMG Guidelines, 2015. Collection method: clinical testing. Allele origin: germline.

Labcorp Genetics (formerly Invitae), Labcorp
Classification: Likely pathogenic for Inborn genetic diseases; Ocular cystinosis; Juvenile nephropathic cystinosis. Last evaluated: 2024-02-25. Review status: criteria provided, single submitter. Criteria: Invitae Variant Classification Sherloc (09022015). Collection method: clinical testing. Allele origin: germline.
Comment: This sequence change replaces alanine, which is neutral and non-polar, with threonine, which is neutral and polar, at codon 212 of the CTNS protein (p.Ala212Thr). This variant is present in population databases (rs768600603, gnomAD 0.01%). This variant has not been reported in the literature in individuals affected with CTNS-related conditions. ClinVar contains an entry for this variant (Variation ID: 990466). Advanced modeling of protein sequence and biophysical properties (such as structural, functional, and spatial information, amino acid conservation, physicochemical variation, residue mobility, and thermodynamic stability) performed at Invitae indicates that this missense variant is expected to disrupt CTNS protein function with a positive predictive value of 80%. This variant disrupts the p.Ala212 amino acid residue in CTNS. Other variant(s) that disrupt this residue have been determined to be pathogenic (PMID: 30957593). This suggests that this residue is clinically significant, and that variants that disrupt this residue are likely to be disease-causing. In summary, the currently available evidence indicates that the variant is pathogenic, but additional data are needed to prove that conclusively. Therefore, this variant has been classified as Likely Pathogenic.

Natera, Inc.
Classification: Uncertain significance for Cystinosis. Last evaluated: 2020-08-14. Review status: no assertion criteria provided. Collection method: clinical testing. Allele origin: germline. Not counted in ClinVar's aggregate classification.

Literature cited by the submitters: PubMed 30957593 (cited by 3billion and Labcorp Genetics (formerly Invitae), Labcorp).